The following is an entry in ClinVar:

ClinVar aggregate classification (germline): Conflicting classifications of pathogenicity. Review status: criteria provided, conflicting classifications (1 of 4 stars). 2 submissions from 2 submitters: Uncertain significance (1); Likely benign (1). Last evaluated 2024-11-11.

Allele frequency attached by ClinVar (database versions not stated): ExAC 0.00001; gnomAD 0.00001; gnomAD exomes 0.00001; TOPMed 0.00001.
gnomAD v4.1: 9 of 1,613,828 alleles (0.00056%); highest among the groups gnomAD compares: Non-Finnish European, 0.00076%; no homozygotes.

Submissions (2):

Blueprint Genetics
Classification: Likely benign. Last evaluated: 2024-11-11. Review status: criteria provided, single submitter. Criteria: ACMG Guidelines, 2015. Collection method: clinical testing. Allele origin: germline.

Labcorp Genetics (formerly Invitae), Labcorp
Classification: Uncertain significance. Last evaluated: 2022-07-18. Review status: criteria provided, single submitter. Criteria: Invitae Variant Classification Sherloc (09022015). Collection method: clinical testing. Allele origin: germline.
Comment: This sequence change falls in intron 18 of the MTHFD1 gene. It does not directly change the encoded amino acid sequence of the MTHFD1 protein. This variant is present in population databases (rs752925653, gnomAD 0.002%). This variant has not been reported in the literature in individuals affected with MTHFD1-related conditions. Algorithms developed to predict the effect of sequence changes on RNA splicing suggest that this variant may disrupt the consensus splice site. In summary, the available evidence is currently insufficient to determine the role of this variant in disease. Therefore, it has been classified as a Variant of Uncertain Significance.

NM_005956.4(MTHFD1):c.1816-10T>G

Gene: MTHFD1 (methylenetetrahydrofolate dehydrogenase, cyclohydrolase and formyltetrahydrofolate synthetase 1; plus strand). Cytogenetic location: 14q23.3.
Variant type: single nucleotide variant.
Coding change: c.1816-10T>G on transcript NM_005956.4 (MANE Select); 10 bases into the intron before coding-DNA position 1816, T replaced by G.
Molecular consequence: intron variant.
Genome position (GRCh38, 1-based): chr14:64,441,375, T>G. VCF-style: chr14-64441375-T-G. GRCh37 (hg19) VCF-style: chr14-64908093-T-G.
Other names: c.1816-10T>G (NM_001364837.1).
Identifiers: ClinVar variation 1949660 (VCV001949660.3), dbSNP rs752925653, ClinGen allele CA7226392.
Genomic context (GRCh38, chr14:64,441,375, plus strand): 5'-CAAATATTGGTTTCAGAAGGTTGGGTTTTTTTGCTGGTGGGAGTTGATGCTGCACACATT[T>G]GTTTTGTAGGGGGTGAGTGGTGCACTGACAGTGCTTATGAAGGACGCAATCAAGCCCAAT-3'